The following is an entry in ClinVar:

NM_000059.4(BRCA2):c.2129C>T (p.Ser710Leu)

Gene: BRCA2 (BRCA2 DNA repair associated; plus strand). Cytogenetic location: 13q13.1.
Variant type: single nucleotide variant.
Coding change: c.2129C>T on transcript NM_000059.4 (MANE Select); coding-DNA position 2129, C replaced by T.
Protein change: p.Ser710Leu; replaces serine 710 with leucine.
Molecular consequence: missense variant.
Genome position (GRCh38, 1-based): chr13:32,336,484, C>T. VCF-style: chr13-32336484-C-T. GRCh37 (hg19) VCF-style: chr13-32910621-C-T.
Other names: short protein forms S710L.
Identifiers: ClinVar variation 923364 (VCV000923364.12), dbSNP rs886040405, ClinGen allele CA387770072.
Genomic context (GRCh38, chr13:32,336,484, plus strand): 5'-AAGCAAAATGTAATAAGGAAAAACTACAGTTATTTATTACCCCAGAAGCTGATTCTCTGT[C>T]ATGCCTGCAGGAAGGACAGTGTGAAAATGATCCAAAAAGCAAAAAAGTTTCAGATATAAA-3'
Protein context (NP_000050.3, residues 700-720): LFITPEADSL[Ser710Leu]CLQEGQCEND

ClinVar aggregate classification (germline): Conflicting classifications of pathogenicity. Review status: criteria provided, conflicting classifications (1 of 4 stars). 5 submissions from 5 submitters: Uncertain significance (4); Likely benign (1). Last evaluated 2024-06-27.

Conditions:
Hereditary breast ovarian cancer syndrome. Also called: BRCA1- and BRCA2-Associated Hereditary Breast and Ovarian Cancer; Hereditary breast and ovarian cancer syndrome; Hereditary breast and ovarian cancer; Hereditary breast and ovarian cancer syndrome (HBOC); Breast and ovarian cancer; Hereditary breast and/or ovarian cancer syndrome. Identifiers: Orphanet 145, MedGen C0677776, MeSH D061325, MONDO:0003582. Disease mechanism: loss of function.
Hereditary cancer-predisposing syndrome. Also called: Neoplastic Syndromes, Hereditary; Tumor predisposition; Hereditary Cancer Syndrome; Hereditary neoplastic syndrome. Identifiers: Orphanet 140162, MedGen C0027672, MeSH D009386, MONDO:0015356.

Allele frequency attached by ClinVar (database versions not stated): gnomAD exomes below 0.00001.
gnomAD v4.1: 2 of 1,614,010 alleles (0.00012%); highest among the groups gnomAD compares: African/African-American, 0.0027%; no homozygotes.

Submissions (5):

Quest Diagnostics Nichols Institute San Juan Capistrano
Classification: Uncertain significance. Last evaluated: 2024-06-27. Review status: criteria provided, single submitter. Criteria: Quest Diagnostics criteria. Collection method: clinical testing. Allele origin: unknown.
Comment: The BRCA2 c.2129C>T (p.Ser710Leu) variant has been reported in the published literature in one individual with breast and/or ovarian cancer (PMID: 31907386 (2020)), and described to be located in a region of the BRCA2 gene that is tolerant to missense sequence changes (PMID: 31911673 (2020)). This variant has not been reported in large, multi-ethnic general populations (Genome Aggregation Database). Analysis of this variant using bioinformatics tools for the prediction of the effect of amino acid changes on protein structure and function yielded predictions that this variant is benign. Based on the available information, we are unable to determine the clinical significance of this variant.

Ambry Genetics
Classification: Uncertain significance for Hereditary cancer-predisposing syndrome. Last evaluated: 2024-05-09. Review status: criteria provided, single submitter. Criteria: Ambry Variant Classification Scheme 2023. Collection method: clinical testing. Allele origin: germline.
Comment: The p.S710L variant (also known as c.2129C>T), located in coding exon 10 of the BRCA2 gene, results from a C to T substitution at nucleotide position 2129. The serine at codon 710 is replaced by leucine, an amino acid with dissimilar properties. This amino acid position is well conserved in available vertebrate species. In addition, this alteration is predicted to be tolerated by in silico analysis. Based on the available evidence, the clinical significance of this variant remains unclear.

Labcorp Genetics (formerly Invitae), Labcorp
Classification: Uncertain significance for Hereditary breast ovarian cancer syndrome. Last evaluated: 2024-04-11. Review status: criteria provided, single submitter. Criteria: Invitae Variant Classification Sherloc (09022015). Collection method: clinical testing. Allele origin: germline.
Comment: This sequence change replaces serine, which is neutral and polar, with leucine, which is neutral and non-polar, at codon 710 of the BRCA2 protein (p.Ser710Leu). This variant is not present in population databases (gnomAD no frequency). This variant has not been reported in the literature in individuals affected with BRCA2-related conditions. ClinVar contains an entry for this variant (Variation ID: 923364). Advanced modeling of protein sequence and biophysical properties (such as structural, functional, and spatial information, amino acid conservation, physicochemical variation, residue mobility, and thermodynamic stability) performed at Invitae indicates that this missense variant is not expected to disrupt BRCA2 protein function with a negative predictive value of 95%. In summary, the available evidence is currently insufficient to determine the role of this variant in disease. Therefore, it has been classified as a Variant of Uncertain Significance.

University of Washington Department of Laboratory Medicine, University of Washington
Classification: Likely benign for Hereditary cancer-predisposing syndrome. Last evaluated: 2023-03-23. Review status: criteria provided, single submitter. Criteria: Dines et al. (Genet Med. 2020). Collection method: curation. Allele origin: germline.
Comment: Missense variant in a coldspot region where missense variants are very unlikely to be pathogenic (PMID:31911673).

BRCA2 exon 11 coldspot. Reclassification based on statistical prior probability.

Color Diagnostics, LLC DBA Color Health
Classification: Uncertain significance for Hereditary cancer-predisposing syndrome. Last evaluated: 2019-04-19. Review status: criteria provided, single submitter. Criteria: ACMG Guidelines, 2015. Collection method: clinical testing. Allele origin: germline.

Literature cited by the submitters: PubMed 37461096 (cited by Quest Diagnostics Nichols Institute San Juan Capistrano); PubMed 35171259 (cited by Quest Diagnostics Nichols Institute San Juan Capistrano); PubMed 31907386 (cited by Quest Diagnostics Nichols Institute San Juan Capistrano); PubMed 33016334 (cited by Quest Diagnostics Nichols Institute San Juan Capistrano); PubMed 31911673 (cited by Quest Diagnostics Nichols Institute San Juan Capistrano).